The following is an entry in ClinVar:

ClinVar aggregate classification (germline): Pathogenic/Likely pathogenic. Review status: criteria provided, multiple submitters, no conflicts (2 of 4 stars). 6 submissions from 6 submitters: Pathogenic (5); Likely pathogenic (1). Last evaluated 2025-10-07.

Conditions:
Hereditary cancer-predisposing syndrome. Also called: Hereditary neoplastic syndrome; Neoplastic Syndromes, Hereditary; Tumor predisposition; Hereditary Cancer Syndrome. Identifiers: Orphanet 140162, MedGen C0027672, MeSH D009386, MONDO:0015356.
Hereditary breast ovarian cancer syndrome. Also called: Hereditary breast and ovarian cancer syndrome (HBOC); Breast and ovarian cancer; Hereditary breast and/or ovarian cancer syndrome; BRCA1- and BRCA2-Associated Hereditary Breast and Ovarian Cancer; Hereditary breast and ovarian cancer syndrome; Hereditary breast and ovarian cancer. Identifiers: Orphanet 145, MedGen C0677776, MeSH D061325, MONDO:0003582. Disease mechanism: loss of function.
Nijmegen breakage syndrome-like disorder (NBSLD). Also called: MICROCEPHALY AND SPONTANEOUS CHROMOSOME INSTABILITY WITHOUT IMMUNODEFICIENCY; NBS-LIKE DISORDER; RAD50 DEFICIENCY. Identifiers: Orphanet 240760, MedGen C2751318, MONDO:0013118, OMIM 613078.

Allele frequency attached by ClinVar (database versions not stated): gnomAD exomes below 0.00001 and 0.00001; TOPMed 0.00002.

Submissions (6):

Labcorp Genetics (formerly Invitae), Labcorp
Classification: Pathogenic for Hereditary cancer-predisposing syndrome. Last evaluated: 2025-10-07. Review status: criteria provided, single submitter. Criteria: Invitae Variant Classification Sherloc (09022015). Collection method: clinical testing. Allele origin: germline.
Comment: This sequence change creates a premature translational stop signal (p.Asp840Argfs*5) in the RAD50 gene. It is expected to result in an absent or disrupted protein product. Loss-of-function variants in RAD50 are known to be pathogenic (PMID: 19409520). This variant is present in population databases (rs786201897, gnomAD 0.006%). This premature translational stop signal has been observed in individual(s) with breast and/or ovarian cancer (PMID: 27913932). ClinVar contains an entry for this variant (Variation ID: 185058). For these reasons, this variant has been classified as Pathogenic.

Molecular Diagnostics Laboratory, Catalan Institute of Oncology
Classification: Likely pathogenic for Hereditary cancer-predisposing syndrome. Last evaluated: 2025-05-22. Review status: criteria provided, single submitter. Criteria: ACMG Guidelines, 2015. Collection method: clinical testing. Allele origin: germline.
Comment: PVS1 c.2517dup, located in exon 3 of the RAD50 gene, results from a duplication on 1 nucleotide, causing a translational frameshift with a predicted alternate stop codon, p.(Asp840Argfs*5). This alteration is expected to result in loss of function by premature protein truncation and nonsense-mediated mRNA decay (PVS1). The SpliceAI algorithm predicts no significant impact on splicing. To our knowledge, neither clinical data nor functional studies have been reported for this variant. The variant has been reported in the ClinVar database (4x pathogenic) and in the LOVD database (1x not classified). Based on currently available information, the variant c.2517dup is classified as a likely pathogenic variant according to ACMG guidelines.

Quest Diagnostics Nichols Institute San Juan Capistrano
Classification: Pathogenic. Last evaluated: 2024-01-24. Review status: criteria provided, single submitter. Criteria: Quest Diagnostics criteria. Collection method: clinical testing. Allele origin: unknown.
Comment: The RAD50 c.2517dup (p.Asp840Argfs*5) variant alters the translational reading frame of the RAD50 mRNA and causes the premature termination of RAD50 protein synthesis. This variant has been reported in the published literature in individuals/families affected with breast cancer (PMIDs: 27913932 (2017), 34567246 (2021), 35957908 (2022)) and in one individual affected with breast cancer that also carried a variant in the CHEK2 gene (PMID: 38091153 (2024)). The frequency of this variant in the general population, 0.000008 (2/251104 chromosomes (Genome Aggregation Database)), is consistent with pathogenicity. Based on the available information, this variant is classified as pathogenic.

Baylor Genetics
Classification: Pathogenic for Nijmegen breakage syndrome-like disorder. Last evaluated: 2023-03-03. Review status: criteria provided, single submitter. Criteria: ACMG Guidelines, 2015. Collection method: clinical testing. Allele origin: unknown.

Women's Health and Genetics/Laboratory Corporation of America, LabCorp
Classification: Pathogenic for Hereditary breast ovarian cancer syndrome. Last evaluated: 2023-02-20. Review status: criteria provided, single submitter. Criteria: LabCorp Variant Classification Summary - May 2015. Collection method: clinical testing. Allele origin: germline.
Comment: Variant summary: RAD50 c.2517dupA (p.Asp840ArgfsX5) results in a premature termination codon, predicted to cause a truncation of the encoded protein or absence of the protein due to nonsense mediated decay, which are commonly known mechanisms for disease. Truncations downstream of this position have been classified as pathogenic in ClinVar. The variant allele was found at a frequency of 8e-06 in 251104 control chromosomes (gnomAD). c.2517dupA has been reported in the literature in individuals affected with Hereditary Breast And Ovarian Cancer Syndrome (Tavera-Tapia_2017, Miguel_2021). These data indicate that the variant is likely to be associated with disease. To our knowledge, no experimental evidence demonstrating an impact on protein function has been reported. Two ClinVar submitters (evaluation after 2014) cite this variant as pathogenic. Based on the evidence outlined above, the variant was classified as pathogenic.

Ambry Genetics
Classification: Pathogenic for Hereditary cancer-predisposing syndrome. Last evaluated: 2022-05-25. Review status: criteria provided, single submitter. Criteria: Ambry Variant Classification Scheme 2023. Collection method: clinical testing. Allele origin: germline.
Comment: The c.2517dupA pathogenic mutation, located in coding exon 15 of the RAD50 gene, results from a duplication of A at nucleotide position 2517, causing a translational frameshift with a predicted alternate stop codon (p.D840Rfs*5). This mutation was reported in 1/392 BRCA1/2-negative Spanish breast cancer patients (Tavera-Tapia A et al. Breast Cancer Res. Treat. 2017 02;161:597-604). In addition to the clinical data presented in the literature, this alteration is expected to result in loss of function by premature protein truncation or nonsense-mediated mRNA decay. As such, this alteration is interpreted as a disease-causing mutation.

Literature cited by the submitters: PubMed 19409520 (cited by Labcorp Genetics (formerly Invitae), Labcorp); PubMed 27913932 (cited by 4 submitters); PubMed 34567246 (cited by Quest Diagnostics Nichols Institute San Juan Capistrano and Women's Health and Genetics/Laboratory Corporation of America, LabCorp); PubMed 31589614 (cited by Quest Diagnostics Nichols Institute San Juan Capistrano and Women's Health and Genetics/Laboratory Corporation of America, LabCorp); PubMed 35957908 (cited by Quest Diagnostics Nichols Institute San Juan Capistrano); PubMed 38091153 (cited by Quest Diagnostics Nichols Institute San Juan Capistrano).

NM_005732.4(RAD50):c.2517dup (p.Asp840fs)

Gene: RAD50 (RAD50 double strand break repair protein; plus strand). Cytogenetic location: 5q31.1.
Variant type: Duplication.
Coding change: c.2517dup on transcript NM_005732.4 (MANE Select); coding-DNA position 2517, one base duplicated (A; older notation c.2517dupA).
Protein change: p.Asp840fs; shifts the reading frame from aspartic acid 840.
Molecular consequence: frameshift variant.
Genome position (GRCh38, 1-based): chr5:132,604,039, A duplicated. VCF-style (leftmost placement, unchanged base first): chr5-132604038-T-TA. GRCh37 (hg19) VCF-style: chr5-131939730-T-TA.
Other names: c.2517dup (NM_005732.3); short protein forms D840fs.
Identifiers: ClinVar variation 185058 (VCV000185058.17), dbSNP rs786201897, ClinGen allele CA190897.